The following is an entry in ClinVar:

ClinVar aggregate classification (germline): Uncertain significance (1 of 4 stars; one submission).

Allele frequency attached by ClinVar (database versions not stated): TOPMed 0.00002; gnomAD 0.00009; gnomAD exomes 0.00013; 1000 Genomes Project 30x 0.00016; 1000 Genomes Project 0.00020; ExAC 0.00028.
gnomAD v4.1: 198 of 1,614,174 alleles (0.012%); highest among the groups gnomAD compares: South Asian, 0.18%; 1 homozygote.

Submission:

Labcorp Genetics (formerly Invitae), Labcorp
Classification: Uncertain significance. Last evaluated: 2022-06-28. Review status: criteria provided, single submitter. Criteria: Invitae Variant Classification Sherloc (09022015). Collection method: clinical testing. Allele origin: germline.
Comment: This sequence change replaces arginine, which is basic and polar, with glycine, which is neutral and non-polar, at codon 383 of the LPIN1 protein (p.Arg383Gly). This variant is present in population databases (rs529908361, gnomAD 0.2%). This missense change has been observed in individual(s) with LPIN1-related conditions (PMID: 32528171). This variant is also known as c.1402A>G (p.Arg468Gly). Algorithms developed to predict the effect of missense changes on protein structure and function are either unavailable or do not agree on the potential impact of this missense change (SIFT: "Tolerated"; PolyPhen-2: "Possibly Damaging"; Align-GVGD: "Class C0"). In summary, the available evidence is currently insufficient to determine the role of this variant in disease. Therefore, it has been classified as a Variant of Uncertain Significance.

Literature cited by the submitters: PubMed 32528171.

NM_001349206.2(LPIN1):c.1255A>G (p.Arg419Gly)

Gene: LPIN1 (lipin 1; plus strand). Cytogenetic location: 2p25.1.
Variant type: single nucleotide variant.
Coding change: c.1255A>G on transcript NM_001349206.2 (MANE Select); coding-DNA position 1255, A replaced by G.
Protein change: p.Arg419Gly; replaces arginine 419 with glycine.
Molecular consequence: missense variant. On other transcripts: non-coding transcript variant (1).
Genome position (GRCh38, 1-based): chr2:11,782,498, A>G. VCF-style: chr2-11782498-A-G. GRCh37 (hg19) VCF-style: chr2-11922624-A-G.
Other names: c.1165A>G, p.Arg389Gly (NM_001261427.3); c.1402A>G, p.Arg468Gly (NM_001261428.3); c.1147A>G, p.Arg383Gly (NM_001349199.2, NM_001349200.2, NM_001349201.2 and 1 more transcripts); c.1252A>G, p.Arg418Gly (NM_001349202.2, NM_001349203.2); c.1255A>G, p.Arg419Gly (NM_001349204.2, NM_001349205.2); c.1345A>G, p.Arg449Gly (NM_001349207.2); c.1294A>G, p.Arg432Gly (NM_001349208.2); short protein forms R383G, R418G, R419G, R449G, R468G, R389G, R432G.
Identifiers: ClinVar variation 2199866 (VCV002199866.1), dbSNP rs529908361, ClinGen allele CA1533638.